The following continues an entry in ClinVar:

NM_000157.4(GBA1):c.1342G>C (p.Asp448His)

ClinVar aggregate classification (germline): Pathogenic/Likely pathogenic. Pathogenic (28); Likely pathogenic (1).

Submissions 24 to 35 of 35:

Genetic Diagnostics Department, Viafet Genomics Laboratory
Classification: Pathogenic for Gaucher disease-ophthalmoplegia-cardiovascular calcification syndrome. Last evaluated: 2016-04-05. Review status: criteria provided, single submitter. Criteria: ACMG Guidelines, 2015. Collection method: clinical testing. Allele origin: germline. Inheritance: Autosomal recessive inheritance. Affected: no. Observed: 1 variant allele, 1 heterozygote.
Comment: This variant has been identified in a homozygous and compound heterozygous state in patients affected with Gaucher disease type I, II or IIIC (PMIDs: 33176831, 31130326, 31026225, 25946768, 19816973 and 11992489).

Genetic Diagnostics Department, Viafet Genomics Laboratory
Classification: Pathogenic for Gaucher disease type II. Last evaluated: 2016-04-05. Review status: criteria provided, single submitter. Criteria: ACMG Guidelines, 2015. Collection method: clinical testing. Allele origin: germline. Inheritance: Autosomal recessive inheritance. Affected: no. Observed: 1 variant allele, 1 heterozygote.
Comment: This variant has been identified in a homozygous and compound heterozygous state in patients affected with Gaucher disease type I, II or IIIC (PMIDs: 33176831, 31130326, 31026225, 25946768, 19816973 and 11992489).

Ambry Genetics
Classification: Pathogenic. Last evaluated: 2015-10-13. Review status: criteria provided, single submitter. Criteria: Ambry Variant Classification Scheme 2023. Collection method: clinical testing. Allele origin: germline.
Comment: The p.D448H pathogenic mutation (also known as c.1342G>C and p.D409H), located in coding exon 9 of the GBA gene, results from a G to C substitution at nucleotide position 1342. The aspartic acid at codon 448 is replaced by histidine, an amino acid with a few similar properties. This mutation is one of six common mutations that together account for 60-70% of Gaucher disease causing alleles in Caucasian populations and is the third most frequent mutation in Spanish patients, accounting for more than 5% of all mutated Spanish alleles (Chabas et al. J. Med. Genet. 1995;32(9):740-2; Matto&scaron;ov&aacute; S, et al. Isr. Med. Assoc. J. 2015;17(3):166-70). Individuals who are homozygous for this mutation generally have cardiac calcifications, ocular manifestations, and neurological disease, but variable presentation of organomegaly (Chabas et al. J. Med. Genet. 1995;32(9):740-2; Abrahamov et al. Lancet 1995;346(8981):1000-3). Both in vivo and in vitro studies have shown that this mutation demonstrates reduced enzyme activity (4- 9% of wild type) (Montfort et al. Hum. Mutat. 2004;23(6):567-75). Compound heterozygous individuals have also been reported to have Parkinson disease symptoms and cardiac manifestations along with classic Gaucher disease symptoms (Orvinsky et al. Hum. Mutat. 2002;19(4):458-9; Li Y, Neurobiol. Aging 2014 Apr; 35(4):935.e3-8). Based on the supporting evidence, p.D448H is interpreted as a disease-causing mutation.

Baylor Genetics
Classification: Pathogenic for Gaucher disease type I; Gaucher disease type II; Gaucher disease type III; Gaucher disease-ophthalmoplegia-cardiovascular calcification syndrome. Review status: criteria provided, single submitter. Criteria: ACMG Guidelines, 2015. Collection method: clinical testing. Allele origin: germline.

Juno Genomics, Hangzhou Juno Genomics, Inc
Classification: Pathogenic for Lewy body dementia; Parkinson disease, late-onset; Gaucher disease perinatal lethal; Gaucher disease type I; Gaucher disease type II; Gaucher disease type III; Gaucher disease-ophthalmoplegia-cardiovascular calcification syndrome. Review status: criteria provided, single submitter. Criteria: ACMG Guidelines, 2015. Collection method: clinical testing. Allele origin: germline.
Comment: Absent from controls (or at extremely low frequency if recessive) in Genome Aggregation Database.;Well-established in vitro or in vivo functional studies supportive of a damaging effect on the gene or gene product.;For recessive disorders, detected in trans with a pathogenic variant.

Lifecell International Pvt. Ltd
Classification: Pathogenic for Gaucher disease perinatal lethal. Review status: criteria provided, single submitter. Criteria: ACMG Guidelines, 2015. Collection method: clinical testing. Allele origin: germline. Inheritance: Autosomal recessive inheritance. Affected: yes. Observed: 1 compound heterozygote.
Comment: A Heterozygous Missense variant c.1342G>C in Exon 9 of the GBA1 gene that results in the amino acid substitution p.Asp448His was identified. The observed variant has a minor allele frequency of 0.00013 in gnomAD exomes and is novel in genomes. The severity of the impact of this variant on the protein is medium, based on the effect of the protein and REVEL score. Rare Exome Variant Ensemble Learner (REVEL) is an ensembl method for predicting the pathogenicity of missense variants based on a combination of scores from 13 individual tools: MutPred, FATHMM v2.3, VEST 3.0, PolyPhen-2, SIFT, PROVEAN, MutationAssessor, MutationTaster, LRT, GERP++, SiPhy, phyloP, and phastCons. The REVEL score for an individual missense variant can range from 0 to 1, with higher scores reflecting greater likelihood that the variant is disease-causing. ClinVar has also classified this variant as Pathogenic/Likely Pathogenic [Variation ID: 4293]. The observed variant has been previously reported in patients affected with Gaucher disease (Kurolap, Alina et al., 2019). Furthermore, experimental studies have shown that this missense change affects GBA function (Xu, Y H et al., 2011). For these reasons, this variant has been classified as Pathogenic.

OMIM
Classification: Pathogenic for GAUCHER DISEASE, TYPE IIIC. Last evaluated: 2008-07-01. Review status: no assertion criteria provided. Collection method: literature only. Allele origin: germline. Not counted in ClinVar's aggregate classification.

OMIM
Classification: Pathogenic for GAUCHER DISEASE, TYPE I. Last evaluated: 2008-07-01. Review status: no assertion criteria provided. Collection method: literature only. Allele origin: germline. Not counted in ClinVar's aggregate classification.

OMIM
Classification: Pathogenic for GAUCHER DISEASE, TYPE II. Last evaluated: 2008-07-01. Review status: no assertion criteria provided. Collection method: literature only. Allele origin: germline. Not counted in ClinVar's aggregate classification.

OMIM
Classification: Pathogenic for GAUCHER DISEASE, TYPE III. Last evaluated: 2008-07-01. Review status: no assertion criteria provided. Collection method: literature only. Allele origin: germline. Not counted in ClinVar's aggregate classification.

OMIM
Classification: Pathogenic for GAUCHER DISEASE, PERINATAL LETHAL. Last evaluated: 2008-07-01. Review status: no assertion criteria provided. Collection method: literature only. Allele origin: germline. Not counted in ClinVar's aggregate classification.

GeneReviews
No classification provided. Condition: Gaucher disease. Review status: no classification provided. Collection method: literature only. Allele origin: germline. Not counted in ClinVar's aggregate classification.

Literature cited by the submitters: PubMed 8544197 (cited by 5 submitters); PubMed 11992489 (cited by 4 submitters); PubMed 15146461 (cited by 3 submitters); PubMed 19816973 (cited by 5 submitters); PubMed 25946768 (cited by 4 submitters); PubMed 8294487 (cited by 3 submitters); PubMed 16293621 (cited by 5 submitters); PubMed 21257328 (cited by 4 submitters); PubMed 17196853 (cited by Natera, Inc.); PubMed 27872820 (cited by Natera, Inc.); PubMed 33176831 (cited by 3 submitters); PubMed 7475546 (cited by Variantyx, Inc. and OMIM); PubMed 31010158 (cited by Victorian Clinical Genetics Services, Murdoch Childrens Research Institute); PubMed 31130326 (cited by 5 submitters); PubMed 17427031 (cited by Broad Center for Mendelian Genomics, Broad Institute of MIT and Harvard); PubMed 18586596 (cited by Broad Center for Mendelian Genomics, Broad Institute of MIT and Harvard and OMIM); PubMed 8213821 (cited by Broad Center for Mendelian Genomics, Broad Institute of MIT and Harvard); PubMed 16061944 (cited by Broad Center for Mendelian Genomics, Broad Institute of MIT and Harvard); PubMed 11933202 (cited by Broad Center for Mendelian Genomics, Broad Institute of MIT and Harvard); PubMed 2269438 (cited by Myriad Genetics, Inc. and Department of Neurology, Qilu Hospital of Shandong University); PubMed 11359469 (cited by Myriad Genetics, Inc.); PubMed 10714667 (cited by Department of Neurology, Qilu Hospital of Shandong University); PubMed 14578207 (cited by Department of Neurology, Qilu Hospital of Shandong University); PubMed 20816920 (cited by Department of Neurology, Qilu Hospital of Shandong University); PubMed 21472771 (cited by Department of Neurology, Qilu Hospital of Shandong University); PubMed 21700325 (cited by Department of Neurology, Qilu Hospital of Shandong University); PubMed 21742527 (cited by Department of Neurology, Qilu Hospital of Shandong University); PubMed 21745757 (cited by Department of Neurology, Qilu Hospital of Shandong University); PubMed 22975760 (cited by Department of Neurology, Qilu Hospital of Shandong University); PubMed 23588557 (cited by Department of Neurology, Qilu Hospital of Shandong University); PubMed 24126159 (cited by Department of Neurology, Qilu Hospital of Shandong University and Ambry Genetics); PubMed 25909086 (cited by Department of Neurology, Qilu Hospital of Shandong University); PubMed 26096741 (cited by Department of Neurology, Qilu Hospital of Shandong University); PubMed 26887759 (cited by Department of Neurology, Qilu Hospital of Shandong University); PubMed 27312774 (cited by Department of Neurology, Qilu Hospital of Shandong University); PubMed 27717005 (cited by Department of Neurology, Qilu Hospital of Shandong University); PubMed 28393750 (cited by Department of Neurology, Qilu Hospital of Shandong University); PubMed 28894968 (cited by Department of Neurology, Qilu Hospital of Shandong University); PubMed 29610006 (cited by Department of Neurology, Qilu Hospital of Shandong University); PubMed 29656334 (cited by Department of Neurology, Qilu Hospital of Shandong University); PubMed 29934114 (cited by Department of Neurology, Qilu Hospital of Shandong University); PubMed 30528841 (cited by Department of Neurology, Qilu Hospital of Shandong University); PubMed 31026225 (cited by Department of Neurology, Qilu Hospital of Shandong University and Genetic Diagnostics Department, Viafet Genomics Laboratory); PubMed 31216804 (cited by Department of Neurology, Qilu Hospital of Shandong University); PubMed 31589614 (cited by Department of Neurology, Qilu Hospital of Shandong University); PubMed 31996268 (cited by Department of Neurology, Qilu Hospital of Shandong University); PubMed 32613234 (cited by Department of Neurology, Qilu Hospital of Shandong University); PubMed 32618053 (cited by Department of Neurology, Qilu Hospital of Shandong University); PubMed 32658388 (cited by Department of Neurology, Qilu Hospital of Shandong University); PubMed 32677286 (cited by Department of Neurology, Qilu Hospital of Shandong University); PubMed 32714263 (cited by Department of Neurology, Qilu Hospital of Shandong University); PubMed 33301762 (cited by Department of Neurology, Qilu Hospital of Shandong University); PubMed 33601107 (cited by Department of Neurology, Qilu Hospital of Shandong University); PubMed 33763395 (cited by Department of Neurology, Qilu Hospital of Shandong University); PubMed 34275192 (cited by Department of Neurology, Qilu Hospital of Shandong University); PubMed 34282371 (cited by Department of Neurology, Qilu Hospital of Shandong University); PubMed 34308104 (cited by Department of Neurology, Qilu Hospital of Shandong University); PubMed 34339539 (cited by Department of Neurology, Qilu Hospital of Shandong University); PubMed 34779914 (cited by Department of Neurology, Qilu Hospital of Shandong University); PubMed 34867278 (cited by Department of Neurology, Qilu Hospital of Shandong University); PubMed 35639160 (cited by Department of Neurology, Qilu Hospital of Shandong University); PubMed 35747619 (cited by Department of Neurology, Qilu Hospital of Shandong University); PubMed 35810474 (cited by Department of Neurology, Qilu Hospital of Shandong University); PubMed 35842134 (cited by Department of Neurology, Qilu Hospital of Shandong University); PubMed 35845720 (cited by Department of Neurology, Qilu Hospital of Shandong University); PubMed 35861108 (cited by Department of Neurology, Qilu Hospital of Shandong University); PubMed 35861376 (cited by Department of Neurology, Qilu Hospital of Shandong University); PubMed 36256599 (cited by Department of Neurology, Qilu Hospital of Shandong University); PubMed 36776904 (cited by Department of Neurology, Qilu Hospital of Shandong University); PubMed 37009750 (cited by Department of Neurology, Qilu Hospital of Shandong University); PubMed 37042183 (cited by Department of Neurology, Qilu Hospital of Shandong University); PubMed 37061027 (cited by Department of Neurology, Qilu Hospital of Shandong University); PubMed 37152446 (cited by Department of Neurology, Qilu Hospital of Shandong University); PubMed 37198191 (cited by Department of Neurology, Qilu Hospital of Shandong University); PubMed 37750340 (cited by Department of Neurology, Qilu Hospital of Shandong University); PubMed 38093364 (cited by Department of Neurology, Qilu Hospital of Shandong University); PubMed 8160756 (cited by Department of Neurology, Qilu Hospital of Shandong University); PubMed 9556036 (cited by Department of Neurology, Qilu Hospital of Shandong University); PubMed 8790604 (cited by OMIM); PubMed 2502917 (cited by OMIM); PubMed 7627184 (cited by OMIM); PubMed 10636167 (cited by OMIM); PubMed 9040001 (cited by OMIM); PubMed 1333717 (cited by OMIM); PubMed 1974409 (cited by OMIM); PubMed 11148530 (cited by OMIM); PubMed 12838552 (cited by OMIM).